The following is an entry in ClinVar:

NM_002755.4(MAP2K1):c.542G>T (p.Arg181Met)

Gene: MAP2K1 (mitogen-activated protein kinase kinase 1; plus strand). Cytogenetic location: 15q22.31.
Variant type: single nucleotide variant.
Coding change: c.542G>T on transcript NM_002755.4 (MANE Select); coding-DNA position 542, G replaced by T.
Protein change: p.Arg181Met; replaces arginine 181 with methionine.
Molecular consequence: missense variant.
Genome position (GRCh38, 1-based): chr15:66,444,681, G>T. VCF-style: chr15-66444681-G-T. GRCh37 (hg19) VCF-style: chr15-66737019-G-T.
Other names: c.398G>T, p.Arg133Met (NM_001411065.1); short protein forms R133M, R181M.
Identifiers: ClinVar variation 3721182 (VCV003721182.2).

ClinVar aggregate classification (germline): Uncertain significance (1 of 4 stars; one submission).

Conditions:
RASopathy. Also called: Noonan spectrum disorder; rasopathies. Identifiers: Orphanet 536391, MedGen C5555857, MONDO:0021060.

Submission:

Labcorp Genetics (formerly Invitae), Labcorp
Classification: Uncertain significance for RASopathy. Last evaluated: 2025-01-28. Review status: criteria provided, single submitter. Criteria: Invitae Variant Classification Sherloc (09022015). Collection method: clinical testing. Allele origin: germline.
Comment: This sequence change replaces arginine, which is basic and polar, with methionine, which is neutral and non-polar, at codon 181 of the MAP2K1 protein (p.Arg181Met). This variant is not present in population databases (gnomAD no frequency). This variant has not been reported in the literature in individuals affected with MAP2K1-related conditions. Invitae Evidence Modeling of protein sequence and biophysical properties (such as structural, functional, and spatial information, amino acid conservation, physicochemical variation, residue mobility, and thermodynamic stability) indicates that this missense variant is expected to disrupt MAP2K1 protein function with a positive predictive value of 95%. In summary, the available evidence is currently insufficient to determine the role of this variant in disease. Therefore, it has been classified as a Variant of Uncertain Significance.